The following is an entry in ClinVar:

ClinVar aggregate classification (germline): Uncertain significance (1 of 4 stars; one submission).

gnomAD v4.1: 4 of 1,614,058 alleles (0.00025%); highest among the groups gnomAD compares: Non-Finnish European, 0.00034%; no homozygotes.

Submission:

Labcorp Genetics (formerly Invitae), Labcorp
Classification: Uncertain significance. Last evaluated: 2022-03-15. Review status: criteria provided, single submitter. Criteria: Invitae Variant Classification Sherloc (09022015). Collection method: clinical testing. Allele origin: germline.
Comment: In summary, the available evidence is currently insufficient to determine the role of this variant in disease. Therefore, it has been classified as a Variant of Uncertain Significance. Algorithms developed to predict the effect of sequence changes on RNA splicing suggest that this variant may disrupt the consensus splice site. Algorithms developed to predict the effect of missense changes on protein structure and function are either unavailable or do not agree on the potential impact of this missense change (SIFT: "Tolerated"; PolyPhen-2: "Probably Damaging"; Align-GVGD: "Class C15"). This missense change has been observed in individual(s) with retinitis pigmentosa (PMID: 24154662). This variant is not present in population databases (gnomAD no frequency). This sequence change replaces glycine, which is neutral and non-polar, with valine, which is neutral and non-polar, at codon 218 of the USH1C protein (p.Gly218Val).

Literature cited by the submitters: PubMed 24154662.

NM_153676.4(USH1C):c.653G>T (p.Gly218Val)

Gene: USH1C (USH1 protein network component harmonin; minus strand). Cytogenetic location: 11p15.1.
Variant type: single nucleotide variant.
Coding change: c.653G>T on transcript NM_153676.4 (MANE Select); coding-DNA position 653, G replaced by T.
Protein change: p.Gly218Val; replaces glycine 218 with valine.
Molecular consequence: missense variant. On other transcripts: non-coding transcript variant (1).
Genome position (GRCh38, 1-based): chr11:17,526,368, C>A on the plus strand (G>T on the coding strand, the complement: USH1C is on the minus strand). VCF-style: chr11-17526368-C-A. GRCh37 (hg19) VCF-style: chr11-17547915-C-A.
Other names: c.653G>T, p.Gly218Val (NM_001297764.2, NM_005709.4); short protein forms G218V.
Identifiers: ClinVar variation 2137023 (VCV002137023.4), dbSNP rs1266873222, ClinGen allele CA379793284.